The following is an entry in ClinVar:

ClinVar aggregate classification (germline): Conflicting classifications of pathogenicity. Review status: criteria provided, conflicting classifications (1 of 4 stars). 2 submissions from 2 submitters: Uncertain significance (1); Likely benign (1). Last evaluated 2026-06-28.

Allele frequency attached by ClinVar (database versions not stated): gnomAD exomes 0.00007 and 0.00018; ExAC 0.00023; gnomAD 0.00067 and 0.00068; TOPMed 0.00086; 1000 Genomes Project 0.00100; ESP Exome Variant Server 0.00100; 1000 Genomes Project 30x 0.00141.

Submissions (2):

GeneDx
Classification: Uncertain significance. Last evaluated: 2026-06-28. Review status: criteria provided, single submitter. Criteria: GeneDx Variant Classification Process June 2021. Collection method: clinical testing. Allele origin: germline.
Comment: In silico analysis suggests that this missense variant does not alter protein structure/function; Has not been previously published as pathogenic or benign to our knowledge

Labcorp Genetics (formerly Invitae), Labcorp
Classification: Likely benign. Last evaluated: 2025-12-08. Review status: criteria provided, single submitter. Criteria: Invitae Variant Classification Sherloc (09022015). Collection method: clinical testing. Allele origin: germline.

NM_022835.3(PLEKHG2):c.2383G>A (p.Asp795Asn)

Gene: PLEKHG2 (pleckstrin homology and RhoGEF domain containing G2; plus strand). Cytogenetic location: 19q13.2.
Variant type: single nucleotide variant.
Coding change: c.2383G>A on transcript NM_022835.3 (MANE Select); coding-DNA position 2383, G replaced by A.
Protein change: p.Asp795Asn; replaces aspartic acid 795 with asparagine.
Molecular consequence: missense variant. On other transcripts: intron variant (1).
Genome position (GRCh38, 1-based): chr19:39,423,437, G>A. VCF-style: chr19-39423437-G-A. GRCh37 (hg19) VCF-style: chr19-39914077-G-A.
Other names: c.2206G>A, p.Asp736Asn (NM_001351693.2); c.1677+1149G>A (NM_001351694.2); short protein forms D736N, D795N.
Identifiers: ClinVar variation 739468 (VCV000739468.11), dbSNP rs114741660, ClinGen allele CA9429762.